The following continues an entry in ClinVar:

NM_005359.6(SMAD4):c.424+5G>A

Gene: SMAD4. ClinVar aggregate classification (germline): Conflicting classifications of pathogenicity. Uncertain significance (7); Benign (3); Likely benign (11).

Submissions 14 to 26 of 26:

ARUP Laboratories, Molecular Genetics and Genomics, ARUP Laboratories
Classification: Uncertain significance. Last evaluated: 2021-01-31. Review status: criteria provided, single submitter. Criteria: ARUP Molecular Germline Variant Investigation Process 2021. Collection method: clinical testing. Allele origin: germline.
Comment: The SMAD4 c.424+5G>A variant (rs200772603) is reported in the literature in an individual with suspected Lynch syndrome (Yurgelun 2015) and another individual referred for hereditary cancer testing (Tsaousis 2019). This variant is found in the non-Finnish European population with an overall allele frequency of 0.04% (47/128762 alleles) in the Genome Aggregation Database. This is an intronic variant in a highly conserved nucleotide, and computational analyses (Alamut v.2.11) predict that this variant may impact splicing by weakening the nearby canonical donor splice site. However, given the lack of clinical and functional data, the significance of the c.424+5G>A variant is uncertain at this time. References: Tsaousis et al. Analysis of hereditary cancer syndromes by using a panel of genes: novel and multiple pathogenic mutations. BMC Cancer. 2019 Jun 3;19(1):535. Yurgelun MB et al. Identification of a Variety of Mutations in Cancer Predisposition Genes in Patients With Suspected Lynch Syndrome. Gastroenterology. 2015 Sep;149(3):604-13.e20.

Color Diagnostics, LLC DBA Color Health
Classification: Likely benign for Hereditary cancer-predisposing syndrome. Last evaluated: 2020-11-17. Review status: criteria provided, single submitter. Criteria: ACMG Guidelines, 2015. Collection method: clinical testing. Allele origin: germline.

Sema4
Classification: Likely benign for Hereditary cancer-predisposing syndrome. Last evaluated: 2020-11-12. Review status: criteria provided, single submitter. Criteria: Sema4 Curation Guidelines. Collection method: curation. Allele origin: germline.

GeneKor MSA
Classification: Uncertain significance for Hereditary cancer-predisposing syndrome. Last evaluated: 2018-08-01. Review status: criteria provided, single submitter. Criteria: ACMG Guidelines, 2015. Collection method: clinical testing. Allele origin: germline.

Illumina Laboratory Services, Illumina
Classification: Benign for Myhre syndrome. Last evaluated: 2018-01-13. Review status: criteria provided, single submitter. Criteria: ICSL Variant Classification Criteria 13 December 2019. Collection method: clinical testing. Allele origin: germline.
Comment: This variant was observed in the ICSL laboratory as part of a predisposition screen in an ostensibly healthy population. It had not been previously curated by ICSL or reported in the Human Gene Mutation Database (HGMD: prior to June 1st, 2018), and was therefore a candidate for classification through an automated scoring system. Utilizing variant allele frequency, disease prevalence and penetrance estimates, and inheritance mode, an automated score was calculated to assess if this variant is too frequent to cause the disease. Based on the score and internal cut-off values, a variant classified as benign is not then subjected to further curation. The score for this variant resulted in a classification of benign for this disease.

Illumina Laboratory Services, Illumina
Classification: Likely benign for Juvenile polyposis syndrome. Last evaluated: 2018-01-13. Review status: criteria provided, single submitter. Criteria: ICSL Variant Classification Criteria 13 December 2019. Collection method: clinical testing. Allele origin: germline.
Comment: This variant was observed in the ICSL laboratory as part of a predisposition screen in an ostensibly healthy population. It had not been previously curated by ICSL or reported in the Human Gene Mutation Database (HGMD: prior to June 1st, 2018), and was therefore a candidate for classification through an automated scoring system. Utilizing variant allele frequency, disease prevalence and penetrance estimates, and inheritance mode, an automated score was calculated to assess if this variant is too frequent to cause the disease. Based on the score and internal cut-off values, a variant classified as likely benign is not then subjected to further curation. The score for this variant resulted in a classification of likely benign for this disease.

Illumina Laboratory Services, Illumina
Classification: Uncertain significance for Juvenile polyposis/hereditary hemorrhagic telangiectasia syndrome. Last evaluated: 2018-01-13. Review status: criteria provided, single submitter. Criteria: ICSL Variant Classification Criteria 13 December 2019. Collection method: clinical testing. Allele origin: germline.

CHEO Genetics Diagnostic Laboratory, Children's Hospital of Eastern Ontario
Classification: Uncertain significance for Familial thoracic aortic aneurysm and aortic dissection. Last evaluated: 2016-11-25. Review status: criteria provided, single submitter. Criteria: ACMG Guidelines, 2015. Collection method: clinical testing. Allele origin: germline. Study: Canadian Open Genetics Repository.

PreventionGenetics, part of Exact Sciences
Classification: Likely benign for SMAD4-related condition. Last evaluated: 2024-06-10. Review status: no assertion criteria provided. Collection method: clinical testing. Allele origin: germline. Not counted in ClinVar's aggregate classification.
Comment: This variant is classified as likely benign based on ACMG/AMP sequence variant interpretation guidelines (Richards et al. 2015 PMID: 25741868, with internal and published modifications).

Counsyl
Classification: Likely benign for Juvenile polyposis syndrome. Last evaluated: 2018-05-23. Review status: no assertion criteria provided. Collection method: clinical testing. Allele origin: unknown. Not counted in ClinVar's aggregate classification.

Clinical Genetics DNA and cytogenetics Diagnostics Lab, Erasmus MC, Erasmus Medical Center
Classification: Likely benign. Review status: no assertion criteria provided. Collection method: clinical testing. Allele origin: germline. Affected: yes. Study: VKGL Data-share Consensus. Not counted in ClinVar's aggregate classification.

Dr. Peter K. Rogan Lab, Western University
No classification provided (evidence only). Condition: Familial cancer of breast. Review status: no classification provided. Collection method: in vitro. Allele origin: not applicable. Functional consequence: retained intron. Not counted in ClinVar's aggregate classification.

Joint Genome Diagnostic Labs from Nijmegen and Maastricht, Radboudumc and MUMC+
Classification: Likely benign. Review status: no assertion criteria provided. Collection method: clinical testing. Allele origin: germline. Affected: yes. Study: VKGL Data-share Consensus. Not counted in ClinVar's aggregate classification.

Literature cited by the submitters: PubMed 25980754 (cited by 4 submitters); PubMed 25186627 (cited by 4 submitters); PubMed 27146957 (cited by 4 submitters); PubMed 28873162 (cited by 3 submitters); PubMed 28726808 (cited by 3 submitters); PubMed 30426508 (cited by Women's Health and Genetics/Laboratory Corporation of America, LabCorp and Quest Diagnostics Nichols Institute San Juan Capistrano); PubMed 31159747 (cited by Women's Health and Genetics/Laboratory Corporation of America, LabCorp and Quest Diagnostics Nichols Institute San Juan Capistrano); PubMed 32066632 (cited by Women's Health and Genetics/Laboratory Corporation of America, LabCorp and Quest Diagnostics Nichols Institute San Juan Capistrano); PubMed 36175409 (cited by Center for Genomic Medicine, Rigshospitalet, Copenhagen University Hospital).